The following is an entry in ClinVar:

ClinVar aggregate classification (germline): Likely benign. Review status: criteria provided, single submitter (1 of 4 stars). 2 submissions from 2 submitters: Likely benign (1). 1 of the submissions does not count toward it. Last evaluated 2024-11-29.

Conditions:
OTOG-related disorder. Also called: OTOG-related condition.

Allele frequency attached by ClinVar (database versions not stated): gnomAD exomes 0.00001 and 0.00005; TOPMed 0.00006.
gnomAD v4.1: 8 of 1,550,598 alleles (0.00052%); highest among the groups gnomAD compares: Admixed American, 0.014%; no homozygotes.

Submissions (2):

Labcorp Genetics (formerly Invitae), Labcorp
Classification: Likely benign. Last evaluated: 2024-11-29. Review status: criteria provided, single submitter. Criteria: Invitae Variant Classification Sherloc (09022015). Collection method: clinical testing. Allele origin: germline.

PreventionGenetics, part of Exact Sciences
Classification: Likely benign for OTOG-related condition. Last evaluated: 2020-02-19. Review status: no assertion criteria provided. Collection method: clinical testing. Allele origin: germline. Not counted in ClinVar's aggregate classification.
Comment: This variant is classified as likely benign based on ACMG/AMP sequence variant interpretation guidelines (Richards et al. 2015 PMID: 25741868, with internal and published modifications).

NM_001292063.2(OTOG):c.6741C>T (p.Asp2247=)

Gene: OTOG (otogelin; plus strand). Cytogenetic location: 11p15.1.
Variant type: single nucleotide variant.
Coding change: c.6741C>T on transcript NM_001292063.2 (MANE Select); coding-DNA position 6741, C replaced by T.
Protein change: p.Asp2247=; no amino-acid change (aspartic acid 2247 retained).
Molecular consequence: synonymous variant.
Genome position (GRCh38, 1-based): chr11:17,631,730, C>T. VCF-style: chr11-17631730-C-T. GRCh37 (hg19) VCF-style: chr11-17653277-C-T.
Other names: c.6777C>T, p.Asp2259= (NM_001277269.2); c.6777C>T (NM_001277269.1).
Identifiers: ClinVar variation 1587136 (VCV001587136.10), dbSNP rs1375854831, ClinGen allele CA473309507.